The following is an entry in ClinVar:

NM_000037.4(ANK1):c.3325C>T (p.Gln1109Ter)

Gene: ANK1 (ankyrin 1; minus strand). Cytogenetic location: 8p11.21.
Variant type: single nucleotide variant.
Coding change: c.3325C>T on transcript NM_000037.4 (MANE Select); coding-DNA position 3325, C replaced by T.
Protein change: p.Gln1109Ter; replaces glutamine 1109 with a stop codon.
Molecular consequence: nonsense.
Genome position (GRCh38, 1-based): chr8:41,694,594, G>A on the plus strand (C>T on the coding strand, the complement: ANK1 is on the minus strand). VCF-style: chr8-41694594-G-A. GRCh37 (hg19) VCF-style: chr8-41552112-G-A.
Other names: c.3448C>T, p.Gln1150Ter (NM_001142446.2); c.3325C>T, p.Gln1109Ter (NM_020475.3, NM_020476.3, NM_020477.3); short protein forms Q1109*, Q1150*.
Identifiers: ClinVar variation 1698383 (VCV001698383.4), dbSNP rs2150593157, ClinGen allele CA371059728.
Genomic context (GRCh38, chr8:41,694,594, plus strand): 5'-TCCCGGAGGCCTGGAGTTCAGTCCACCCCCAGGACCTGGCGGGGAGGAGGGCTGTCACCT[G>A]CAGAGCCAGCTTCACTCTCTTGGTGACGGCATTCTCCGGGAACGTTGCCTGTACCAGGGG-3'

ClinVar aggregate classification (germline): Pathogenic/Likely pathogenic. Review status: criteria provided, multiple submitters, no conflicts (2 of 4 stars). 2 submissions from 2 submitters: Pathogenic (1); Likely pathogenic (1). Last evaluated 2022-09-01.

Conditions:
Hereditary spherocytosis type 1. Also called: Spherocytosis type 1; ANK1-Related Spherocytosis. Identifiers: Orphanet 822, MedGen C2674218, MONDO:0008447, OMIM 182900.

Submissions (2):

3billion
Classification: Likely pathogenic for Hereditary spherocytosis type 1. Last evaluated: 2022-09-01. Review status: criteria provided, single submitter. Criteria: ACMG Guidelines, 2015. Collection method: clinical testing. Allele origin: germline. Affected: yes. Observed: 1 heterozygote.
Comment: The variant is not observed in the gnomAD v2.1.1 dataset. Stop-gained (nonsense) is predicted to result in a loss or disruption of normal protein function through nonsense-mediated decay (NMD) or protein truncation. Multiple pathogenic variants are reported downstream of the variant. Therefore, this variant is classified as Likely pathogenic according to the recommendation of ACMG/AMP guideline.

Kasturba Medical College, Manipal, Kasturba Medical College, Manipal, Manipal Academy of Higher Education, Manipal, India
Classification: Pathogenic for Hereditary spherocytosis type 1. Review status: criteria provided, single submitter. Criteria: ACMG Guidelines, 2015. Collection method: clinical testing. Allele origin: paternal. Inheritance: Autosomal dominant inheritance. Affected: yes. Observed: 1 heterozygote.